The following is an entry in ClinVar:

ClinVar aggregate classification (germline): Likely benign (0 of 4 stars; one submission).

Conditions:
LRCH3-related disorder. Also called: LRCH3-related condition.

Allele frequency attached by ClinVar (database versions not stated): TOPMed 0.00002; ExAC 0.00003; gnomAD 0.00003; ESP Exome Variant Server 0.00008.
gnomAD v4.1: 48 of 1,587,422 alleles (0.003%); highest among the groups gnomAD compares: South Asian, 0.012%; 1 homozygote.

Submission:

PreventionGenetics, part of Exact Sciences
Classification: Likely benign for LRCH3-related condition. Last evaluated: 2019-07-17. Review status: no assertion criteria provided. Collection method: clinical testing. Allele origin: germline.
Comment: This variant is classified as likely benign based on ACMG/AMP sequence variant interpretation guidelines (Richards et al. 2015 PMID: 25741868, with internal and published modifications).

NM_001365715.1(LRCH3):c.263-3T>C

Gene: LRCH3 (leucine rich repeats and calponin homology domain containing 3; plus strand). Cytogenetic location: 3q29.
Variant type: single nucleotide variant.
Coding change: c.263-3T>C on transcript NM_001365715.1 (MANE Select); 3 bases into the intron before coding-DNA position 263, T replaced by C.
Molecular consequence: intron variant.
Genome position (GRCh38, 1-based): chr3:197,814,905, T>C. VCF-style: chr3-197814905-T-C. GRCh37 (hg19) VCF-style: chr3-197541776-T-C.
Other names: c.263-3T>C (NM_001363887.1, NM_001365716.1, NM_001365718.1 and 3 more transcripts).
Identifiers: ClinVar variation 3049603 (VCV003049603.2), dbSNP rs376192844, ClinGen allele CA2787884.
Genomic context (GRCh38, chr3:197,814,905, plus strand): 5'-AAAAGATTTCAATAAAATAAGTTCCAAGGACTGATTTTAAACCTAATTTAATTTTTCTTT[T>C]AGACCTGTCGCGAAATCGCCTTTCAGAAATTCCTATAGAAGCATGTCACTTTGTTTCTCT-3'